The following is an entry in ClinVar:

ClinVar aggregate classification (germline): Pathogenic/Likely pathogenic. Review status: criteria provided, single submitter (1 of 4 stars). 2 submissions from 1 submitter: Pathogenic (1); Likely pathogenic (1). Last evaluated 2020-10-06.

Conditions:
Cystinuria (CSNU). Also called: Cystinuria, non-type I; CYSTINURIA, TYPE I; CYSTINURIA, TYPE II; CYSTINURIA, TYPE III. Identifiers: Orphanet 214, MedGen C0010691, MONDO:0009067, OMIM 220100, HP:0003131.
Myasthenic syndrome, congenital, 22 (CMS22). Also called: PREPL DEFICIENCY. Identifiers: MedGen C4479088, MONDO:0044299, OMIM 616224.

Submissions (2):

Labcorp Genetics (formerly Invitae), Labcorp
Classification: Pathogenic for Myasthenic syndrome, congenital, 22. Last evaluated: 2020-10-06. Review status: criteria provided, single submitter. Criteria: Invitae Variant Classification Sherloc (09022015). Collection method: clinical testing. Allele origin: germline.
Comment: This variant is a gross deletion of the genomic region encompassing exons 2-14 of the PREPL gene. The 5' boundary is likely confined to intron 1. If SLC3A1 has been tested and no copy number events are reported for it, then the 3' boundary of this event lies between the PREPL and SLC3A1 genes. If SLC3A1 has not been tested, the 3' end of this event is unknown as it extends beyond the assayed region of this test and may encompass additional genes including the SLC3A1 gene. This is expected to result in an absent or disrupted protein product. Isolated deletions of exons 2-14 of PREPL have not been reported in the literature. However, larger copy number events that include this region have been reported in individuals affected with hypotonia-cystinuria syndrome (PMID: 24610330, 22796000, 24610330). For these reasons, this variant has been classified as Pathogenic.

Labcorp Genetics (formerly Invitae), Labcorp
Classification: Likely pathogenic for Cystinuria. Last evaluated: 2017-11-28. Review status: criteria provided, single submitter. Criteria: Invitae Variant Classification Sherloc (09022015). Collection method: clinical testing. Allele origin: germline.
Comment: This variant is a gross deletion of the genomic region encompassing exons 2-10 of the SLC3A1 gene. The 5' boundary is likely confined to intron 1. The 3' end of this event is unknown as it extends through the termination codon beyond the assayed region for this gene and encompasses exons 2-14 of the PREPL gene. While this deletion is not anticipated to result in nonsense mediated decay, it is expected to create a truncated protein product or disrupt mRNA translation. Deletion of SLC3A1 exons 2-10 and PREPL exons 2-14 has not been reported in the literature in individuals with PREPL-related disease. However, a deletion which includes this region of the PREPL gene and all of the SLC3A1 gene has been reported in individuals with hypotoniaâ€šÃ„Ã¬cystinuria syndrome (PMID: 22796000). Additionally, a smaller deletion encompassing exons 9-14 of the PREPL gene and exons 5-10 of the SLC3A1 gene has been reported in an individual affected with hypotonia-cystinuria syndrome (PMID: 24610330). In summary, the currently available evidence indicates that the variant is pathogenic, but additional data are needed to prove that conclusively. Therefore, this variant has been classified as Likely Pathogenic.

Literature cited by the submitters: PubMed 24610330; PubMed 22796000.

NC_000002.12:g.(?_44280696)_(44346410_?)del

Genes: PREPL (prolyl endopeptidase like; minus strand), SLC3A1 (solute carrier family 3 member 1; plus strand). Cytogenetic location: 2p21.
Variant type: Deletion.
Identifiers: ClinVar variation 526035 (VCV000526035.2).